The following is an entry in ClinVar:

ClinVar aggregate classification (germline): Likely benign. Review status: criteria provided, multiple submitters, no conflicts (2 of 4 stars). 4 submissions from 4 submitters: Likely benign (4). Last evaluated 2026-02-03.

Conditions:
17p11.2 microduplication syndrome (PTLS). Also called: CHROMOSOME 17p11.2 DUPLICATION SYNDROME; Potocki-Lupski syndrome; Duplication 17p11.2 syndrome; Potocki-Lupski syndrome (dup(17)(p11.2p11.2)). Identifiers: Orphanet 1713, MedGen C2931246, MONDO:0012574, OMIM 610883.
Colorectal cancer. Also called: Colorectal cancer, somatic; Malignant Colorectal Neoplasm. Identifiers: MedGen C0346629, MONDO:0005575, OMIM 114500.
Nonpapillary renal cell carcinoma. Identifiers: Orphanet 422526, MedGen CN074294, MONDO:0007763, OMIM 144700.
Familial spontaneous pneumothorax (PSP). Identifiers: Orphanet 2903, MedGen C1868193, MONDO:0008259, OMIM 173600.
Birt-Hogg-Dube syndrome. Also called: Birt Hogg Dubé syndrome. Identifiers: Orphanet 122, MedGen C0346010, MONDO:0800444.
Birt-Hogg-Dube syndrome 1 (BHD1). Also called: FIBROFOLLICULOMAS WITH TRICHODISCOMAS AND ACROCHORDONS. Identifiers: Orphanet 122, MedGen CN375946, MONDO:0800445, OMIM 135150.

Allele frequency attached by ClinVar (database versions not stated): gnomAD 0.00001; gnomAD exomes 0.00001; ExAC 0.00002; TOPMed 0.00002.
gnomAD v4.1: 19 of 1,605,346 alleles (0.0012%); highest among the groups gnomAD compares: South Asian, 0.0022%; no homozygotes.

Submissions (4):

Labcorp Genetics (formerly Invitae), Labcorp
Classification: Likely benign for Birt-Hogg-Dube syndrome. Last evaluated: 2026-02-03. Review status: criteria provided, single submitter. Criteria: Invitae Variant Classification Sherloc (09022015). Collection method: clinical testing. Allele origin: germline.

Blueprint Genetics
Classification: Likely benign. Last evaluated: 2024-11-01. Review status: criteria provided, single submitter. Criteria: ACMG Guidelines, 2015. Collection method: clinical testing. Allele origin: germline.

Myriad Genetics, Inc.
Classification: Likely benign for Birt-Hogg-Dube syndrome 1. Last evaluated: 2024-10-23. Review status: criteria provided, single submitter. Criteria: Myriad Autosomal Dominant, Autosomal Recessive and X-Linked Classification Criteria (2023). Collection method: clinical testing. Allele origin: unknown.
Comment: This variant is considered likely benign. This variant is intronic and is not expected to impact mRNA splicing.

Fulgent Genetics
Classification: Likely benign for Colorectal cancer; Birt-Hogg-Dube syndrome 1; Nonpapillary renal cell carcinoma; Familial spontaneous pneumothorax; 17p11.2 microduplication syndrome. Last evaluated: 2021-09-09. Review status: criteria provided, single submitter. Criteria: ACMG Guidelines, 2015. Collection method: clinical testing. Allele origin: unknown.

NM_144997.7(FLCN):c.780-13C>T

Gene: FLCN (folliculin; minus strand). Cytogenetic location: 17p11.2.
Variant type: single nucleotide variant.
Coding change: c.780-13C>T on transcript NM_144997.7 (MANE Select); 13 bases into the intron before coding-DNA position 780, C replaced by T.
Molecular consequence: intron variant.
Genome position (GRCh38, 1-based): chr17:17,221,641, G>A on the plus strand (C>T on the coding strand, the complement: FLCN is on the minus strand). VCF-style: chr17-17221641-G-A. GRCh37 (hg19) VCF-style: chr17-17124955-G-A.
Other names: c.780-13C>T (NM_001353231.2, NM_001353230.2, NM_144606.7); c.834-13C>T (NM_001353229.2).
Identifiers: ClinVar variation 1577112 (VCV001577112.11), dbSNP rs777670469, ClinGen allele CA8416297.